The following is an entry in ClinVar:

ClinVar aggregate classification (germline): Uncertain significance. Review status: criteria provided, multiple submitters, no conflicts (2 of 4 stars). 2 submissions from 2 submitters: Uncertain significance (2). Last evaluated 2024-08-04.

Conditions:
Retinoblastoma (RB1). Also called: RETINOBLASTOMA, SOMATIC. Identifiers: Orphanet 790, MedGen C0035335, MeSH D012175, MONDO:0008380, OMIM 180200, HP:0009919. Disease mechanism: loss of function. Inheritance: Both sporadic and heritable forms are tested..
Hereditary cancer-predisposing syndrome. Also called: Hereditary Cancer Syndrome; Hereditary neoplastic syndrome; Neoplastic Syndromes, Hereditary; Tumor predisposition. Identifiers: Orphanet 140162, MedGen C0027672, MeSH D009386, MONDO:0015356.

Submissions (2):

Ambry Genetics
Classification: Uncertain significance for Hereditary cancer-predisposing syndrome. Last evaluated: 2024-08-04. Review status: criteria provided, single submitter. Criteria: Ambry Variant Classification Scheme 2023. Collection method: clinical testing. Allele origin: germline.
Comment: The p.V520M variant (also known as c.1558G>A), located in coding exon 17 of the RB1 gene, results from a G to A substitution at nucleotide position 1558. The valine at codon 520 is replaced by methionine, an amino acid with highly similar properties. This amino acid position is conserved. In addition, the in silico prediction for this alteration is inconclusive. Based on the available evidence, the clinical significance of this variant remains unclear.

Labcorp Genetics (formerly Invitae), Labcorp
Classification: Uncertain significance for Retinoblastoma. Last evaluated: 2023-11-10. Review status: criteria provided, single submitter. Criteria: Invitae Variant Classification Sherloc (09022015). Collection method: clinical testing. Allele origin: germline.
Comment: This sequence change replaces valine, which is neutral and non-polar, with methionine, which is neutral and non-polar, at codon 520 of the RB1 protein (p.Val520Met). This variant is not present in population databases (gnomAD no frequency). This variant has not been reported in the literature in individuals affected with RB1-related conditions. Advanced modeling of protein sequence and biophysical properties (such as structural, functional, and spatial information, amino acid conservation, physicochemical variation, residue mobility, and thermodynamic stability) has been performed at Invitae for this missense variant, however the output from this modeling did not meet the statistical confidence thresholds required to predict the impact of this variant on RB1 protein function. In summary, the available evidence is currently insufficient to determine the role of this variant in disease. Therefore, it has been classified as a Variant of Uncertain Significance.

NM_000321.3(RB1):c.1558G>A (p.Val520Met)

Gene: RB1 (RB transcriptional corepressor 1; plus strand). Cytogenetic location: 13q14.2.
Variant type: single nucleotide variant.
Coding change: c.1558G>A on transcript NM_000321.3 (MANE Select); coding-DNA position 1558, G replaced by A.
Protein change: p.Val520Met; replaces valine 520 with methionine.
Molecular consequence: missense variant.
Genome position (GRCh38, 1-based): chr13:48,381,306, G>A. VCF-style: chr13-48381306-G-A. GRCh37 (hg19) VCF-style: chr13-48955442-G-A.
Other names: c.1558G>A, p.Val520Met (NM_001407165.1, NM_001407166.1); short protein forms V520M.
Identifiers: ClinVar variation 2994844 (VCV002994844.4), dbSNP rs1174618849, ClinGen allele CA388163512.